The following is an entry in ClinVar:

NM_000038.6(APC):c.6729A>C (p.Thr2243=)

Gene: APC (APC regulator of Wnt signaling pathway; plus strand). Cytogenetic location: 5q22.2.
Variant type: single nucleotide variant.
Coding change: c.6729A>C on transcript NM_000038.6 (MANE Select); coding-DNA position 6729, A replaced by C.
Protein change: p.Thr2243=; no amino-acid change (threonine 2243 retained).
Molecular consequence: synonymous variant.
Genome position (GRCh38, 1-based): chr5:112,842,323, A>C. VCF-style: chr5-112842323-A-C. GRCh37 (hg19) VCF-style: chr5-112178020-A-C.
Other names: c.6729A>C, p.Thr2243= (NM_001127510.3, NM_001354895.2); c.6675A>C, p.Thr2225= (NM_001127511.3); c.6783A>C, p.Thr2261= (NM_001354896.2); c.6759A>C, p.Thr2253= (NM_001354897.2); c.6654A>C, p.Thr2218= (NM_001354898.2); c.6645A>C, p.Thr2215= (NM_001354899.2); c.6606A>C, p.Thr2202= (NM_001354900.2); c.6552A>C, p.Thr2184= (NM_001354901.2); and 5 more.
Identifiers: ClinVar variation 470059 (VCV000470059.26), dbSNP rs761296130, ClinGen allele CA446209969.

ClinVar aggregate classification (germline): Benign/Likely benign. Review status: criteria provided, multiple submitters, no conflicts (2 of 4 stars). 6 submissions from 6 submitters: Benign (1); Likely benign (5). Last evaluated 2025-10-21.

Conditions:
Hereditary cancer-predisposing syndrome. Also called: Hereditary neoplastic syndrome; Tumor predisposition; Neoplastic Syndromes, Hereditary; Hereditary Cancer Syndrome. Identifiers: Orphanet 140162, MedGen C0027672, MeSH D009386, MONDO:0015356.
Familial adenomatous polyposis 1 (FAP1). Also called: FAMILIAL ADENOMATOUS POLYPOSIS 1, ATTENUATED; POLYPOSIS, ADENOMATOUS INTESTINAL. Identifiers: MedGen C2713442, MONDO:0021056, OMIM 175100. Disease mechanism: loss of function.

gnomAD v4.1: 2 of 1,613,850 alleles (0.00012%); highest among the groups gnomAD compares: Non-Finnish European, 0.00017%; no homozygotes.

Submissions (6):

Labcorp Genetics (formerly Invitae), Labcorp
Classification: Likely benign for Familial adenomatous polyposis 1. Last evaluated: 2025-10-21. Review status: criteria provided, single submitter. Criteria: Invitae Variant Classification Sherloc (09022015). Collection method: clinical testing. Allele origin: germline.

CeGaT Center for Human Genetics Tuebingen
Classification: Likely benign. Last evaluated: 2025-08-01. Review status: criteria provided, single submitter. Criteria: CeGaT Center For Human Genetics Tuebingen Variant Classification Criteria Version 2. Collection method: clinical testing. Allele origin: germline. Affected: yes. Observed: 1 variant allele.
Comment: APC: BP4, BP7

Myriad Genetics, Inc.
Classification: Benign for Familial adenomatous polyposis 1. Last evaluated: 2024-04-05. Review status: criteria provided, single submitter. Criteria: Myriad Autosomal Dominant, Autosomal Recessive and X-Linked Classification Criteria (2023). Collection method: clinical testing. Allele origin: unknown.
Comment: This variant is considered benign. This variant is a silent/synonymous amino acid change and it is not expected to impact splicing.

Ambry Genetics
Classification: Likely benign for Hereditary cancer-predisposing syndrome. Last evaluated: 2021-10-21. Review status: criteria provided, single submitter. Criteria: Ambry Variant Classification Scheme 2023. Collection method: clinical testing. Allele origin: germline.

Color Diagnostics, LLC DBA Color Health
Classification: Likely benign for Hereditary cancer-predisposing syndrome. Last evaluated: 2019-06-24. Review status: criteria provided, single submitter. Criteria: ACMG Guidelines, 2015. Collection method: clinical testing. Allele origin: germline.

GeneDx
Classification: Likely benign. Last evaluated: 2019-03-28. Review status: criteria provided, single submitter. Criteria: GeneDx Variant Classification Process June 2021. Collection method: clinical testing. Allele origin: germline. Affected: yes.